The following is an entry in ClinVar:

NM_020923.3(ZDBF2):c.5161C>A (p.His1721Asn)

Gene: ZDBF2 (zinc finger DBF-type containing 2; plus strand). Cytogenetic location: 2q33.3.
Variant type: single nucleotide variant.
Coding change: c.5161C>A on transcript NM_020923.3 (MANE Select); coding-DNA position 5161, C replaced by A.
Protein change: p.His1721Asn; replaces histidine 1721 with asparagine.
Molecular consequence: missense variant.
Genome position (GRCh38, 1-based): chr2:206,309,689, C>A. VCF-style: chr2-206309689-C-A. GRCh37 (hg19) VCF-style: chr2-207174413-C-A.
Other names: c.5155C>A, p.His1719Asn (NM_001285549.2); c.5161C>A, p.His1721Asn (NM_001369654.1); short protein forms H1719N, H1721N.
Identifiers: ClinVar variation 1954534 (VCV001954534.6), dbSNP rs1033214229, ClinGen allele CA63664172.

ClinVar aggregate classification (germline): Uncertain significance. Review status: criteria provided, multiple submitters, no conflicts (2 of 4 stars). 2 submissions from 2 submitters: Uncertain significance (2). Last evaluated 2023-04-05.

Allele frequency attached by ClinVar (database versions not stated): TOPMed 0.00001.
gnomAD v4.1: 4 of 1,613,800 alleles (0.00025%); highest among the groups gnomAD compares: Admixed American, 0.0067%; no homozygotes.

Submissions (2):

Labcorp Genetics (formerly Invitae), Labcorp
Classification: Uncertain significance. Last evaluated: 2023-04-05. Review status: criteria provided, single submitter. Criteria: Invitae Variant Classification Sherloc (09022015). Collection method: clinical testing. Allele origin: germline.
Comment: This variant is present in population databases (no rsID available, gnomAD 0.006%). In summary, the available evidence is currently insufficient to determine the role of this variant in disease. Therefore, it has been classified as a Variant of Uncertain Significance. An algorithm developed to predict the effect of missense changes on protein structure and function (PolyPhen-2) suggests that this variant is likely to be tolerated. ClinVar contains an entry for this variant (Variation ID: 1954534). This variant has not been reported in the literature in individuals affected with ZDBF2-related conditions. This sequence change replaces histidine, which is basic and polar, with asparagine, which is neutral and polar, at codon 1721 of the ZDBF2 protein (p.His1721Asn).

Ambry Genetics
Classification: Uncertain significance. Last evaluated: 2021-09-17. Review status: criteria provided, single submitter. Criteria: Ambry Variant Classification Scheme 2023. Collection method: clinical testing. Allele origin: germline.